The following is an entry in ClinVar:

ClinVar aggregate classification (germline): Uncertain significance. Review status: criteria provided, multiple submitters, no conflicts (2 of 4 stars). 3 submissions from 3 submitters: Uncertain significance (3). Last evaluated 2026-04-15.

Conditions:
Hereditary cancer-predisposing syndrome. Also called: Hereditary Cancer Syndrome; Neoplastic Syndromes, Hereditary; Tumor predisposition; Hereditary neoplastic syndrome. Identifiers: Orphanet 140162, MedGen C0027672, MeSH D009386, MONDO:0015356.
Retinoblastoma (RB1). Also called: RETINOBLASTOMA, SOMATIC. Identifiers: Orphanet 790, MedGen C0035335, MeSH D012175, MONDO:0008380, OMIM 180200, HP:0009919. Disease mechanism: loss of function. Inheritance: Both sporadic and heritable forms are tested..

Allele frequency attached by ClinVar (database versions not stated): gnomAD exomes below 0.00001.
gnomAD v4.1: 2 of 1,611,608 alleles (0.00012%); highest among the groups gnomAD compares: Non-Finnish European, 0.00017%; no homozygotes.

Submissions (3):

Ambry Genetics
Classification: Uncertain significance for Hereditary cancer-predisposing syndrome. Last evaluated: 2026-04-15. Review status: criteria provided, single submitter. Criteria: Ambry Variant Classification Scheme 2023. Collection method: clinical testing. Allele origin: germline.
Comment: The p.P515S variant (also known as c.1543C>T), located in coding exon 17 of the RB1 gene, results from a C to T substitution at nucleotide position 1543. The proline at codon 515 is replaced by serine, an amino acid with similar properties. This amino acid position is highly conserved in available vertebrate species. In addition, this alteration is predicted to be deleterious by in silico analysis. Based on the available evidence, the clinical significance of this variant remains unclear.

Labcorp Genetics (formerly Invitae), Labcorp
Classification: Uncertain significance for Retinoblastoma. Last evaluated: 2025-12-03. Review status: criteria provided, single submitter. Criteria: Invitae Variant Classification Sherloc (09022015). Collection method: clinical testing. Allele origin: germline.
Comment: This sequence change replaces proline, which is neutral and non-polar, with serine, which is neutral and polar, at codon 515 of the RB1 protein (p.Pro515Ser). This variant is not present in population databases (gnomAD no frequency). This variant has not been reported in the literature in individuals affected with RB1-related conditions. ClinVar contains an entry for this variant (Variation ID: 962805). Invitae Evidence Modeling of protein sequence and biophysical properties (such as structural, functional, and spatial information, amino acid conservation, physicochemical variation, residue mobility, and thermodynamic stability) indicates that this missense variant is expected to disrupt RB1 protein function with a positive predictive value of 80%. In summary, the available evidence is currently insufficient to determine the role of this variant in disease. Therefore, it has been classified as a Variant of Uncertain Significance.

All of Us Research Program, National Institutes of Health
Classification: Uncertain significance for Retinoblastoma. Last evaluated: 2023-08-28. Review status: criteria provided, single submitter. Criteria: ACMG Guidelines, 2015. Collection method: clinical testing. Allele origin: germline. Inheritance: Autosomal dominant inheritance. Observed: 2 variant alleles, 2 heterozygotes.
Comment: This missense variant replaces proline with serine at codon 515 of the RB1 protein. Computational prediction suggests that this variant may have deleterious impact on protein structure and function (internally defined REVEL score threshold >= 0.7, PMID: 27666373). To our knowledge, functional studies have not been reported for this variant. This variant has not been reported in individuals affected with RB1-related disorders in the literature. This variant has not been identified in the general population by the Genome Aggregation Database (gnomAD). The available evidence is insufficient to determine the role of this variant in disease conclusively. Therefore, this variant is classified as a Variant of Uncertain Significance.

This study involves interpretation of variants in research participants for the purpose of population health screening. Participant phenotype was not available at the time of variant classification. Additional details can be found in publication PMID: 35346344, PMCID: PMC8962531

NM_000321.3(RB1):c.1543C>T (p.Pro515Ser)

Gene: RB1 (RB transcriptional corepressor 1; plus strand). Cytogenetic location: 13q14.2.
Variant type: single nucleotide variant.
Coding change: c.1543C>T on transcript NM_000321.3 (MANE Select); coding-DNA position 1543, C replaced by T.
Protein change: p.Pro515Ser; replaces proline 515 with serine.
Molecular consequence: missense variant.
Genome position (GRCh38, 1-based): chr13:48,381,291, C>T. VCF-style: chr13-48381291-C-T. GRCh37 (hg19) VCF-style: chr13-48955427-C-T.
Other names: short protein forms P515S.
Identifiers: ClinVar variation 962805 (VCV000962805.15), dbSNP rs866664638, ClinGen allele CA388163442.